The following is an entry in ClinVar:

NM_003060.4(SLC22A5):c.1036A>G (p.Met346Val)

Gene: SLC22A5 (solute carrier family 22 member 5; plus strand). Cytogenetic location: 5q31.1.
Variant type: single nucleotide variant.
Coding change: c.1036A>G on transcript NM_003060.4 (MANE Select); coding-DNA position 1036, A replaced by G.
Protein change: p.Met346Val; replaces methionine 346 with valine.
Molecular consequence: missense variant.
Genome position (GRCh38, 1-based): chr5:132,389,005, A>G. VCF-style: chr5-132389005-A-G. GRCh37 (hg19) VCF-style: chr5-131724697-A-G.
Other names: c.1108A>G, p.Met370Val (NM_001308122.2); short protein forms M346V, M370V.
Identifiers: ClinVar variation 580674 (VCV000580674.10), dbSNP rs745453534, ClinGen allele CA3404047.

ClinVar aggregate classification (germline): Uncertain significance. Review status: criteria provided, single submitter (1 of 4 stars). 2 submissions from 2 submitters: Uncertain significance (1). 1 of the submissions does not count toward it. Last evaluated 2021-08-30.

Conditions:
Decreased circulating carnitine concentration. Also called: Decreased plasma carnitine. Identifiers: MedGen C5848230, HP:0003234.
Renal carnitine transport defect (CDSP). Also called: CARNITINE DEFICIENCY, SYSTEMIC, DUE TO DEFECT IN RENAL REABSORPTION OF CARNITINE; CARNITINE TRANSPORTER, PLASMA-MEMBRANE, DEFICIENCY OF; CARNITINE UPTAKE DEFECT; Carnitine transporter deficiency; Carnitine Deficiency, Systemic; Primary carnitine deficiency. Identifiers: Orphanet 158, MedGen C0342788, MONDO:0008919, OMIM 212140.

Allele frequency attached by ClinVar (database versions not stated): gnomAD exomes below 0.00001; TOPMed below 0.00001; ExAC 0.00001.
gnomAD v4.1: 1 of 1,611,600 alleles (0.000062%); no homozygotes.

Submissions (2):

Labcorp Genetics (formerly Invitae), Labcorp
Classification: Uncertain significance for Renal carnitine transport defect. Last evaluated: 2021-08-30. Review status: criteria provided, single submitter. Criteria: Invitae Variant Classification Sherloc (09022015). Collection method: clinical testing. Allele origin: germline.
Comment: This sequence change replaces methionine with valine at codon 346 of the SLC22A5 protein (p.Met346Val). The methionine residue is moderately conserved and there is a small physicochemical difference between methionine and valine. This variant is present in population databases (rs745453534, ExAC 0.002%). This variant has not been reported in the literature in individuals affected with SLC22A5-related conditions. Algorithms developed to predict the effect of missense changes on protein structure and function (SIFT, PolyPhen-2, Align-GVGD) all suggest that this variant is likely to be tolerated. In summary, the available evidence is currently insufficient to determine the role of this variant in disease. Therefore, it has been classified as a Variant of Uncertain Significance.

Natera, Inc.
Classification: Uncertain significance for Carnitine deficiency. Last evaluated: 2021-08-09. Review status: no assertion criteria provided. Collection method: clinical testing. Allele origin: germline. Not counted in ClinVar's aggregate classification.